The following is an entry in ClinVar:

ClinVar aggregate classification (germline): Pathogenic (1 of 4 stars; one submission).

Submission:

Labcorp Genetics (formerly Invitae), Labcorp
Classification: Pathogenic. Last evaluated: 2022-10-23. Review status: criteria provided, single submitter. Criteria: Invitae Variant Classification Sherloc (09022015). Collection method: clinical testing. Allele origin: germline.
Comment: For these reasons, this variant has been classified as Pathogenic. This variant has not been reported in the literature in individuals affected with MSH3-related conditions. This variant is present in population databases (rs779605105, gnomAD 0.0009%). This sequence change creates a premature translational stop signal (p.Lys219Asnfs*14) in the MSH3 gene. It is expected to result in an absent or disrupted protein product. Loss-of-function variants in MSH3 are known to be pathogenic (PMID: 27476653).

Literature cited by the submitters: PubMed 27476653.

NM_002439.5(MSH3):c.654del (p.Lys219fs)

Gene: MSH3 (mutS homolog 3; plus strand). Cytogenetic location: 5q14.1.
Variant type: Deletion.
Coding change: c.654del on transcript NM_002439.5 (MANE Select); coding-DNA position 654, one base deleted (C; older notation c.654delC).
Protein change: p.Lys219fs; shifts the reading frame from lysine 219.
Molecular consequence: frameshift variant.
Genome position (GRCh38, 1-based): chr5:80,670,171, C deleted; the last of 2 consecutive C bases (chr5:80,670,170-80,670,171); deleting either gives the same sequence. VCF-style (leftmost placement, unchanged base first): chr5-80670169-TC-T. GRCh37 (hg19) VCF-style: chr5-79965988-TC-T.
Other names: short protein forms K219fs.
Identifiers: ClinVar variation 2036583 (VCV002036583.4), dbSNP rs779605105, ClinGen allele CA3327665.